The following is an entry in ClinVar:

NM_001330700.2(TOP2B):c.2534A>G (p.Asn845Ser)

Gene: TOP2B (DNA topoisomerase II beta; minus strand). Cytogenetic location: 3p24.2.
Variant type: single nucleotide variant.
Coding change: c.2534A>G on transcript NM_001330700.2 (MANE Select); coding-DNA position 2534, A replaced by G.
Protein change: p.Asn845Ser; replaces asparagine 845 with serine.
Molecular consequence: missense variant.
Genome position (GRCh38, 1-based): chr3:25,623,708, T>C on the plus strand (A>G on the coding strand, the complement: TOP2B is on the minus strand). VCF-style: chr3-25623708-T-C. GRCh37 (hg19) VCF-style: chr3-25665199-T-C.
Other names: c.2519A>G (NM_001068.2); c.2519A>G, p.Asn840Ser (NM_001068.3); short protein forms N845S, N840S.
Identifiers: ClinVar variation 1907069 (VCV001907069.6), dbSNP rs754886368, ClinGen allele CA2288466.
Genomic context (GRCh38, chr3:25,623,708, plus strand): 5'-ATAGGAATATACCACTCAGGCTCTACACGTTGATTATCATCATAAAGGAACTTAAGGAGG[T>C]TGTCATCCACAGCAGGAAAAAGTAGCCTTGCTAAAGTGCTAATGAAAACAAAAAGAAGCA-3'
Protein context (NP_001317629.1, residues 835-855): ARLLFPAVDD[Asn845Ser]LLKFLYDDNQ

ClinVar aggregate classification (germline): Uncertain significance. Review status: criteria provided, multiple submitters, no conflicts (2 of 4 stars). 2 submissions from 2 submitters: Uncertain significance (2). Last evaluated 2026-01-19.

Allele frequency attached by ClinVar (database versions not stated): ExAC 0.00003; gnomAD 0.00003; TOPMed 0.00003; gnomAD exomes 0.00008.
gnomAD v4.1: 114 of 1,613,362 alleles (0.0071%); highest among the groups gnomAD compares: Non-Finnish European, 0.0092%; no homozygotes.

Submissions (2):

Labcorp Genetics (formerly Invitae), Labcorp
Classification: Uncertain significance. Last evaluated: 2026-01-19. Review status: criteria provided, single submitter. Criteria: Invitae Variant Classification Sherloc (09022015). Collection method: clinical testing. Allele origin: germline.
Comment: This sequence change replaces asparagine, which is neutral and polar, with serine, which is neutral and polar, at codon 840 of the TOP2B protein (p.Asn840Ser). This variant is present in population databases (rs754886368, gnomAD 0.007%). This variant has not been reported in the literature in individuals affected with TOP2B-related conditions. ClinVar contains an entry for this variant (Variation ID: 1907069). An algorithm developed to predict the effect of missense changes on protein structure and function (PolyPhen-2) suggests that this variant is likely to be tolerated. In summary, the available evidence is currently insufficient to determine the role of this variant in disease. Therefore, it has been classified as a Variant of Uncertain Significance.

Ambry Genetics
Classification: Uncertain significance. Last evaluated: 2025-02-08. Review status: criteria provided, single submitter. Criteria: Ambry Variant Classification Scheme 2023. Collection method: clinical testing. Allele origin: germline.